The following is an entry in ClinVar:

ClinVar aggregate classification (germline): Uncertain significance (1 of 4 stars; one submission).

Conditions:
Hereditary cancer-predisposing syndrome. Also called: Neoplastic Syndromes, Hereditary; Tumor predisposition; Hereditary neoplastic syndrome; Hereditary Cancer Syndrome. Identifiers: Orphanet 140162, MedGen C0027672, MeSH D009386, MONDO:0015356.

gnomAD v4.1: 1 of 1,614,164 alleles (0.000062%); highest among the groups gnomAD compares: Non-Finnish European, 0.000085%; no homozygotes.

Submission:

Ambry Genetics
Classification: Uncertain significance for Hereditary cancer-predisposing syndrome. Last evaluated: 2026-09-11. Review status: criteria provided, single submitter. Criteria: Ambry Variant Classification Scheme 2023. Collection method: clinical testing. Allele origin: germline.
Comment: The p.L649Q variant (also known as c.1946T>A), located in coding exon 19 of the RB1 gene, results from a T to A substitution at nucleotide position 1946. The leucine at codon 649 is replaced by glutamine, an amino acid with dissimilar properties. This amino acid position is conserved. In addition, this alteration is predicted to be deleterious by in silico analysis. Based on the available evidence, the clinical significance of this variant remains unclear.

NM_000321.3(RB1):c.1946T>A (p.Leu649Gln)

Gene: RB1 (RB transcriptional corepressor 1; plus strand). Cytogenetic location: 13q14.2.
Variant type: single nucleotide variant.
Coding change: c.1946T>A on transcript NM_000321.3 (MANE Select); coding-DNA position 1946, T replaced by A.
Protein change: p.Leu649Gln; replaces leucine 649 with glutamine.
Molecular consequence: missense variant.
Genome position (GRCh38, 1-based): chr13:48,456,335, T>A. VCF-style: chr13-48456335-T-A. GRCh37 (hg19) VCF-style: chr13-49030471-T-A.
Other names: c.1946T>A, p.Leu649Gln (NM_001407165.1); short protein forms L649Q.
Identifiers: ClinVar variation 5027996 (VCV005027996.1).